The following is an entry in ClinVar:

ClinVar aggregate classification (germline): Uncertain significance. Review status: criteria provided, multiple submitters, no conflicts (2 of 4 stars). 2 submissions from 2 submitters: Uncertain significance (2). Last evaluated 2024-06-25.

Conditions:
Charcot-Marie-Tooth disease axonal type 2O. Also called: CHARCOT-MARIE-TOOTH NEUROPATHY, AXONAL, TYPE 2O; CHARCOT-MARIE-TOOTH DISEASE, AXONAL, AUTOSOMAL DOMINANT, TYPE 2O; Charcot-Marie-Tooth Neuropathy Type 2O; Charcot-Marie-Tooth disease, axonal, type 20. Identifiers: Orphanet 284232, MedGen C3280220, MONDO:0013644, OMIM 614228.

Allele frequency attached by ClinVar (database versions not stated): gnomAD exomes below 0.00001.
gnomAD v4.1: 1 of 1,614,192 alleles (0.000062%); highest among the groups gnomAD compares: Non-Finnish European, 0.000085%; no homozygotes.

Submissions (2):

GeneDx
Classification: Uncertain significance. Last evaluated: 2024-06-25. Review status: criteria provided, single submitter. Criteria: GeneDx Variant Classification Process June 2021. Collection method: clinical testing. Allele origin: germline. Affected: yes.
Comment: Not observed at significant frequency in large population cohorts (gnomAD); In silico analysis supports that this missense variant has a deleterious effect on protein structure/function; Has not been previously published as pathogenic or benign to our knowledge; This variant is associated with the following publications: (PMID: 25512093, 25609763, 26100331)

Labcorp Genetics (formerly Invitae), Labcorp
Classification: Uncertain significance for Charcot-Marie-Tooth disease axonal type 2O. Last evaluated: 2023-10-13. Review status: criteria provided, single submitter. Criteria: Invitae Variant Classification Sherloc (09022015). Collection method: clinical testing. Allele origin: germline.
Comment: This sequence change replaces lysine, which is basic and polar, with arginine, which is basic and polar, at codon 748 of the DYNC1H1 protein (p.Lys748Arg). This variant is not present in population databases (gnomAD no frequency). This variant has not been reported in the literature in individuals affected with DYNC1H1-related conditions. Advanced modeling of protein sequence and biophysical properties (such as structural, functional, and spatial information, amino acid conservation, physicochemical variation, residue mobility, and thermodynamic stability) performed at Invitae indicates that this missense variant is expected to disrupt DYNC1H1 protein function. In summary, the available evidence is currently insufficient to determine the role of this variant in disease. Therefore, it has been classified as a Variant of Uncertain Significance.

NM_001376.5(DYNC1H1):c.2243A>G (p.Lys748Arg)

Gene: DYNC1H1 (dynein cytoplasmic 1 heavy chain 1; plus strand). Cytogenetic location: 14q32.31.
Variant type: single nucleotide variant.
Coding change: c.2243A>G on transcript NM_001376.5 (MANE Select); coding-DNA position 2243, A replaced by G.
Protein change: p.Lys748Arg; replaces lysine 748 with arginine.
Molecular consequence: missense variant.
Genome position (GRCh38, 1-based): chr14:101,986,468, A>G. VCF-style: chr14-101986468-A-G. GRCh37 (hg19) VCF-style: chr14-102452805-A-G.
Other names: short protein forms K748R.
Identifiers: ClinVar variation 2806822 (VCV002806822.4), dbSNP rs2503695800, ClinGen allele CA391022210.